The following is an entry in ClinVar:

ClinVar aggregate classification (germline): Uncertain significance (1 of 4 stars; one submission).

Submission:

Labcorp Genetics (formerly Invitae), Labcorp
Classification: Uncertain significance. Last evaluated: 2022-06-09. Review status: criteria provided, single submitter. Criteria: Invitae Variant Classification Sherloc (09022015). Collection method: clinical testing. Allele origin: germline.
Comment: In summary, the available evidence is currently insufficient to determine the role of this variant in disease. Therefore, it has been classified as a Variant of Uncertain Significance. Algorithms developed to predict the effect of missense changes on protein structure and function are either unavailable or do not agree on the potential impact of this missense change (SIFT: "Deleterious"; PolyPhen-2: "Probably Damaging"; Align-GVGD: "Class C0"). This variant has not been reported in the literature in individuals affected with NKX6-2-related conditions. This variant is not present in population databases (gnomAD no frequency). This sequence change replaces isoleucine, which is neutral and non-polar, with leucine, which is neutral and non-polar, at codon 251 of the NKX6-2 protein (p.Ile251Leu).

NM_177400.3(NKX6-2):c.751A>C (p.Ile251Leu)

Gene: NKX6-2 (NK6 homeobox 2; minus strand). Cytogenetic location: 10q26.3.
Variant type: single nucleotide variant.
Coding change: c.751A>C on transcript NM_177400.3 (MANE Select); coding-DNA position 751, A replaced by C.
Protein change: p.Ile251Leu; replaces isoleucine 251 with leucine.
Molecular consequence: missense variant.
Genome position (GRCh38, 1-based): chr10:132,784,999, T>G on the plus strand (A>C on the coding strand, the complement: NKX6-2 is on the minus strand). VCF-style: chr10-132784999-T-G. GRCh37 (hg19) VCF-style: chr10-134598503-T-G.
Other names: short protein forms I251L.
Identifiers: ClinVar variation 1999281 (VCV001999281.4), dbSNP rs2493479787, ClinGen allele CA378768454.